The following is an entry in ClinVar:

NM_004817.4(TJP2):c.2810T>C (p.Leu937Pro)

Gene: TJP2 (tight junction protein 2; plus strand). Cytogenetic location: 9q21.11.
Variant type: single nucleotide variant.
Coding change: c.2810T>C on transcript NM_004817.4 (MANE Select); coding-DNA position 2810, T replaced by C.
Protein change: p.Leu937Pro; replaces leucine 937 with proline.
Molecular consequence: missense variant. On other transcripts: intron variant (1).
Genome position (GRCh38, 1-based): chr9:69,248,154, T>C. VCF-style: chr9-69248154-T-C. GRCh37 (hg19) VCF-style: chr9-71863070-T-C.
Other names: c.2741T>C, p.Leu914Pro (NM_001170414.2, NM_001369871.1); c.2822T>C, p.Leu941Pro (NM_001170415.1, NM_001369874.1, NM_001369875.1); c.2903T>C, p.Leu968Pro (NM_001170416.2); c.2735T>C, p.Leu912Pro (NM_001369870.1); c.2810T>C, p.Leu937Pro (NM_001369872.1, NM_201629.3); c.2667+1364T>C (NM_001369873.1); short protein forms L937P, L941P, L912P, L968P, L914P.
Identifiers: ClinVar variation 178680 (VCV000178680.17), dbSNP rs28556975, ClinGen allele CA182771.

ClinVar aggregate classification (germline): Benign. Review status: criteria provided, multiple submitters, no conflicts (2 of 4 stars). 5 submissions from 5 submitters: Benign (5). Last evaluated 2026-01-24.

Allele frequency attached by ClinVar (database versions not stated): gnomAD exomes 0.00081 and 0.00219; ExAC 0.00287; gnomAD 0.00794 and 0.00841; TOPMed 0.00912; 1000 Genomes Project 0.00938; 1000 Genomes Project 30x 0.00953; ESP Exome Variant Server 0.00976.
gnomAD v4.1: 2,425 of 1,613,820 alleles (0.15%); highest among the groups gnomAD compares: African/African-American, 2.9%; 45 homozygotes.

Submissions (5):

Labcorp Genetics (formerly Invitae), Labcorp
Classification: Benign. Last evaluated: 2026-01-24. Review status: criteria provided, single submitter. Criteria: Invitae Variant Classification Sherloc (09022015). Collection method: clinical testing. Allele origin: germline.

GeneDx
Classification: Benign. Last evaluated: 2018-08-23. Review status: criteria provided, single submitter. Criteria: GeneDx Variant Classification Process June 2021. Collection method: clinical testing. Allele origin: germline. Affected: yes.

Laboratory for Molecular Medicine, Mass General Brigham Personalized Medicine
Classification: Benign. Last evaluated: 2013-09-11. Review status: criteria provided, single submitter. Criteria: LMM Criteria. Collection method: clinical testing. Allele origin: germline. Observed: 1 variant allele.
Comment: Leu937Pro in Exon 19E of TJP2: This variant is not expected to have clinical sig nificance because it has been identified in 2.8% (125/4406) of African American chromosomes from a broad population by the NHLBI Exome Sequencing Project (dbSNP rs28556975).

Breakthrough Genomics
Classification: Benign. Review status: criteria provided, single submitter. Criteria: ACMG Guidelines, 2015. Collection method: not provided. Allele origin: germline. Inheritance: Autosomal recessive inheritance. Affected: yes.

PreventionGenetics, part of Exact Sciences
Classification: Benign. Review status: criteria provided, single submitter. Criteria: ACMG Guidelines, 2015. Collection method: clinical testing. Allele origin: germline.